The following is an entry in ClinVar:

NM_014639.4(SKIC3):c.2362C>T (p.Arg788Cys)

Gene: SKIC3 (SKI3 subunit of superkiller complex; minus strand). Cytogenetic location: 5q15.
Variant type: single nucleotide variant.
Coding change: c.2362C>T on transcript NM_014639.4 (MANE Select); coding-DNA position 2362, C replaced by T.
Protein change: p.Arg788Cys; replaces arginine 788 with cysteine.
Molecular consequence: missense variant.
Genome position (GRCh38, 1-based): chr5:95,516,990, G>A on the plus strand (C>T on the coding strand, the complement: SKIC3 is on the minus strand). VCF-style: chr5-95516990-G-A. GRCh37 (hg19) VCF-style: chr5-94852694-G-A.
Other names: c.2362C>T (NM_014639.3); short protein forms R788C.
Identifiers: ClinVar variation 1521503 (VCV001521503.6), dbSNP rs537964611, ClinGen allele CA3347103.

ClinVar aggregate classification (germline): Uncertain significance. Review status: criteria provided, multiple submitters, no conflicts (2 of 4 stars). 3 submissions from 3 submitters: Uncertain significance (3). Last evaluated 2025-12-09.

Conditions:
Inborn genetic diseases. Identifiers: MedGen C0950123, MeSH D030342.
SKIC3-related disorder. Also called: SKIC3-related condition.

Allele frequency attached by ClinVar (database versions not stated): gnomAD exomes below 0.00001 and 0.00001; gnomAD 0.00001; TOPMed 0.00001; ExAC 0.00001; 1000 Genomes Project 30x 0.00016; 1000 Genomes Project 0.00020.
gnomAD v4.1: 19 of 1,613,418 alleles (0.0012%); highest among the groups gnomAD compares: Admixed American, 0.005%; no homozygotes.

Submissions (3):

Ambry Genetics
Classification: Uncertain significance for Inborn genetic diseases. Last evaluated: 2025-12-09. Review status: criteria provided, single submitter. Criteria: Ambry Variant Classification Scheme 2023. Collection method: clinical testing. Allele origin: germline.

Labcorp Genetics (formerly Invitae), Labcorp
Classification: Uncertain significance. Last evaluated: 2022-09-07. Review status: criteria provided, single submitter. Criteria: Invitae Variant Classification Sherloc (09022015). Collection method: clinical testing. Allele origin: germline.
Comment: This sequence change replaces arginine, which is basic and polar, with cysteine, which is neutral and slightly polar, at codon 788 of the TTC37 protein (p.Arg788Cys). This variant is present in population databases (rs537964611, gnomAD 0.003%). This variant has not been reported in the literature in individuals affected with TTC37-related conditions. ClinVar contains an entry for this variant (Variation ID: 1521503). Algorithms developed to predict the effect of missense changes on protein structure and function are either unavailable or do not agree on the potential impact of this missense change (SIFT: "Tolerated"; PolyPhen-2: "Possibly Damaging"; Align-GVGD: "Class C0"). In summary, the available evidence is currently insufficient to determine the role of this variant in disease. Therefore, it has been classified as a Variant of Uncertain Significance.

PreventionGenetics, part of Exact Sciences
Classification: Uncertain significance for SKIC3-related condition. Last evaluated: 2022-08-25. Review status: criteria provided, single submitter. Criteria: ACMG Guidelines, 2015. Collection method: clinical testing. Allele origin: germline.
Comment: The SKIC3 c.2362C>T variant is predicted to result in the amino acid substitution p.Arg788Cys. To our knowledge, this variant has not been reported in the literature. This variant is reported in 0.0029% of alleles in individuals of Latino descent in gnomAD. At this time, the clinical significance of this variant is uncertain due to the absence of conclusive functional and genetic evidence.